The following is an entry in ClinVar:

ClinVar aggregate classification (germline): Uncertain significance. Review status: criteria provided, multiple submitters, no conflicts (2 of 4 stars). 2 submissions from 2 submitters: Uncertain significance (2). Last evaluated 2026-02-04.

Conditions:
Inborn genetic diseases. Identifiers: MedGen C0950123, MeSH D030342.

Allele frequency attached by ClinVar (database versions not stated): gnomAD exomes 0.00001; gnomAD 0.00002; TOPMed 0.00004.
gnomAD v4.1: 6 of 1,566,356 alleles (0.00038%); highest among the groups gnomAD compares: Admixed American, 0.013%; no homozygotes.

Submissions (2):

Labcorp Genetics (formerly Invitae), Labcorp
Classification: Uncertain significance. Last evaluated: 2026-02-04. Review status: criteria provided, single submitter. Criteria: Invitae Variant Classification Sherloc (09022015). Collection method: clinical testing. Allele origin: germline.
Comment: This sequence change replaces proline, which is neutral and non-polar, with arginine, which is basic and polar, at codon 392 of the ERCC6L2 protein (p.Pro392Arg). This variant is present in population databases (no rsID available, gnomAD no frequency). This variant has not been reported in the literature in individuals affected with ERCC6L2-related conditions. ClinVar contains an entry for this variant (Variation ID: 2146925). Experimental studies and prediction algorithms are not available or were not evaluated, and the functional significance of this variant is currently unknown. In summary, the available evidence is currently insufficient to determine the role of this variant in disease. Therefore, it has been classified as a Variant of Uncertain Significance.

Ambry Genetics
Classification: Uncertain significance for Inborn genetic diseases. Last evaluated: 2024-12-07. Review status: criteria provided, single submitter. Criteria: Ambry Variant Classification Scheme 2023. Collection method: clinical testing. Allele origin: germline.
Comment: The p.P381R variant (also known as c.1142C>G), located in coding exon 6 of the ERCC6L2 gene, results from a C to G substitution at nucleotide position 1142. The proline at codon 381 is replaced by arginine, an amino acid with dissimilar properties. This amino acid position is conserved. In addition, this alteration is predicted to be deleterious by in silico analysis. Based on the available evidence, the clinical significance of this variant remains unclear.

NM_020207.7(ERCC6L2):c.1142C>G (p.Pro381Arg)

Gene: ERCC6L2 (ERCC excision repair 6 like 2; plus strand). Cytogenetic location: 9q22.32.
Variant type: single nucleotide variant.
Coding change: c.1142C>G on transcript NM_020207.7 (MANE Select); coding-DNA position 1142, C replaced by G.
Protein change: p.Pro381Arg; replaces proline 381 with arginine.
Molecular consequence: missense variant. On other transcripts: non-coding transcript variant (1).
Genome position (GRCh38, 1-based): chr9:95,916,418, C>G. VCF-style: chr9-95916418-C-G. GRCh37 (hg19) VCF-style: chr9-98678700-C-G.
Other names: c.1142C>G, p.Pro381Arg (NM_001010895.4, NM_001375291.1, NM_001375292.1 and 2 more transcripts); short protein forms P381R.
Identifiers: ClinVar variation 2146925 (VCV002146925.5), dbSNP rs1269281636, ClinGen allele CA374123022.